The following is an entry in ClinVar:

NM_000051.4(ATM):c.8188C>T (p.Gln2730Ter)

Genes: ATM (ATM serine/threonine kinase; plus strand), C11orf65 (chromosome 11 open reading frame 65; minus strand). Cytogenetic location: 11q22.3.
Variant type: single nucleotide variant.
Coding change: c.8188C>T on transcript NM_000051.4 (MANE Select); coding-DNA position 8188, C replaced by T.
Protein change: p.Gln2730Ter; replaces glutamine 2730 with a stop codon.
Molecular consequence: nonsense. On other transcripts: intron variant (2).
Genome position (GRCh38, 1-based): chr11:108,335,881, C>T. VCF-style: chr11-108335881-C-T. GRCh37 (hg19) VCF-style: chr11-108206608-C-T.
Other names: c.8188C>T, p.Gln2730Ter (NM_001351834.2); c.641-26810G>A (NM_001330368.2); c.695-589G>A (NM_001351110.2); short protein forms Q2730*.
Identifiers: ClinVar variation 965883 (VCV000965883.11), dbSNP rs587782317, ClinGen allele CA382562532.

ClinVar aggregate classification (germline): Pathogenic/Likely pathogenic. Review status: criteria provided, multiple submitters, no conflicts (2 of 4 stars). 3 submissions from 3 submitters: Pathogenic (2); Likely pathogenic (1). Last evaluated 2024-08-12.

Conditions:
Familial cancer of breast. Also called: Hereditary breast cancer; hereditary breast carcinoma; BREAST CANCER, FAMILIAL. Identifiers: Orphanet 227535, MedGen C0346153, MONDO:0016419, OMIM 114480. Disease mechanism: loss of function.
Ataxia-telangiectasia syndrome (AT). Also called: Ataxia-telangiectasia, complementation group D; AT, COMPLEMENTATION GROUP C; ATAXIA-TELANGIECTASIA, COMPLEMENTATION GROUP A; ATAXIA-TELANGIECTASIA, FRESNO VARIANT; Ataxia-telangiectasia; Ataxia telangiectasia (A-T). Identifiers: Orphanet 100, MedGen C0004135, MONDO:0008840, OMIM 208900.

Submissions (3):

Molecular Pathology, Peter Maccallum Cancer Centre
Classification: Pathogenic for Ataxia-telangiectasia syndrome. Last evaluated: 2024-08-12. Review status: criteria provided, single submitter. Criteria: ACMG Guidelines, 2015. Collection method: clinical testing. Allele origin: germline. Inheritance: Autosomal recessive inheritance.

Labcorp Genetics (formerly Invitae), Labcorp
Classification: Pathogenic for Ataxia-telangiectasia syndrome. Last evaluated: 2022-07-12. Review status: criteria provided, single submitter. Criteria: Invitae Variant Classification Sherloc (09022015). Collection method: clinical testing. Allele origin: germline.
Comment: For these reasons, this variant has been classified as Pathogenic. ClinVar contains an entry for this variant (Variation ID: 965883). This variant has not been reported in the literature in individuals affected with ATM-related conditions. This variant is not present in population databases (gnomAD no frequency). This sequence change creates a premature translational stop signal (p.Gln2730*) in the ATM gene. It is expected to result in an absent or disrupted protein product. Loss-of-function variants in ATM are known to be pathogenic (PMID: 23807571, 25614872).

Juno Genomics, Hangzhou Juno Genomics, Inc
Classification: Likely pathogenic for Familial cancer of breast; Ataxia-telangiectasia syndrome. Review status: criteria provided, single submitter. Criteria: ACMG Guidelines, 2015. Collection method: clinical testing. Allele origin: germline.
Comment: Absent from controls (or at extremely low frequency if recessive) in Genome Aggregation Database.;Null variant in a gene where loss of function (LOF) is a known mechanism of disease.

Literature cited by the submitters: PubMed 23807571 (cited by Labcorp Genetics (formerly Invitae), Labcorp); PubMed 25614872 (cited by Labcorp Genetics (formerly Invitae), Labcorp).